The following is an entry in ClinVar:

ClinVar aggregate classification (germline): Likely benign (1 of 4 stars; one submission).

Conditions:
Multiple endocrine neoplasia, type 2 (MEN2). Identifiers: Orphanet 653, MedGen C4048306, MONDO:0019003. Disease mechanism: gain of function.

Allele frequency attached by ClinVar (database versions not stated): gnomAD exomes below 0.00001.
gnomAD v4.1: 1 of 1,607,708 alleles (0.000062%); highest among the groups gnomAD compares: Non-Finnish European, 0.000085%; no homozygotes.

Submission:

All of Us Research Program, National Institutes of Health
Classification: Likely benign for Multiple endocrine neoplasia, type 2. Last evaluated: 2023-02-24. Review status: criteria provided, single submitter. Criteria: ACMG Guidelines, 2015. Collection method: clinical testing. Allele origin: germline. Inheritance: Autosomal dominant inheritance. Observed: 1 variant allele, 1 heterozygote.
Comment: This study involves interpretation of variants in research participants for the purpose of population health screening. Participant phenotype was not available at the time of variant classification. Additional details can be found in publication PMID: 35346344, PMCID: PMC8962531

NM_020975.6(RET):c.2285-14G>A

Gene: RET (ret proto-oncogene; plus strand). Cytogenetic location: 10q11.21.
Variant type: single nucleotide variant.
Coding change: c.2285-14G>A on transcript NM_020975.6 (MANE Select); 14 bases into the intron before coding-DNA position 2285, G replaced by A.
Molecular consequence: intron variant.
Genome position (GRCh38, 1-based): chr10:43,118,359, G>A. VCF-style: chr10-43118359-G-A. GRCh37 (hg19) VCF-style: chr10-43613807-G-A.
Other names: c.2285-14G>A (NM_020630.7, NM_001406743.1, NM_001406744.1 and 2 more transcripts); c.2150-14G>A (NM_001406765.1, NM_001406763.1); c.1889-14G>A (NM_001406772.1, NM_001406769.1); c.1847-14G>A (NM_001406773.1, NM_001406771.1); c.1388-14G>A (NM_001406782.1, NM_001406780.1, NM_001406779.1 and 1 more transcripts); c.1253-14G>A (NM_001406787.1); c.1268-14G>A (NM_001406785.1); c.2156-14G>A (NM_001406764.1, NM_001406762.1, NM_001406761.1); and 10 more.
Identifiers: ClinVar variation 3069610 (VCV003069610.1), dbSNP rs1376600330, ClinGen allele CA592895817.
Genomic context (GRCh38, chr10:43,118,359, plus strand): 5'-ATCCTGACCTGGTATGGTCATGGAAGGGGCTTCCAGGAGCGATCGTTTGCAACCTGCTCT[G>A]TGCTGCATTTCAGAGAACGCCTCCCCGAGTGAGCTGCGAGACCTGCTGTCAGAGTTCAAC-3'